The following is an entry in ClinVar:

ClinVar aggregate classification (germline): Uncertain significance (1 of 4 stars; one submission).

Conditions:
Ehlers-Danlos syndrome, type 4 (EDSVASC). Also called: Ehlers-Danlos syndrome vascular type; Ehlers Danlos syndrome, ecchymotic type; Ehlers Danlos syndrome, arterial type; Ehlers Danlos syndrome, Sack-Barabas type; Ehlers-Danlos Syndrome Type IV. Identifiers: Orphanet 286, MedGen C0268338, MONDO:0017314, OMIM 130050.

Submission:

Labcorp Genetics (formerly Invitae), Labcorp
Classification: Uncertain significance for Ehlers-Danlos syndrome, type 4. Last evaluated: 2021-03-22. Review status: criteria provided, single submitter. Criteria: Invitae Variant Classification Sherloc (09022015). Collection method: clinical testing. Allele origin: germline.
Comment: This variant is not present in population databases (ExAC no frequency). This sequence change replaces proline with serine at codon 206 of the COL3A1 protein (p.Pro206Ser). The proline residue is highly conserved and there is a moderate physicochemical difference between proline and serine. This variant has not been reported in the literature in individuals with COL3A1-related conditions. In summary, the available evidence is currently insufficient to determine the role of this variant in disease. Therefore, it has been classified as a Variant of Uncertain Significance. Advanced modeling of protein sequence and biophysical properties (such as structural, functional, and spatial information, amino acid conservation, physicochemical variation, residue mobility, and thermodynamic stability) performed at Invitae indicates that this missense variant is not expected to disrupt COL3A1 protein function.

NM_000090.4(COL3A1):c.616C>T (p.Pro206Ser)

Gene: COL3A1 (collagen type III alpha 1 chain; plus strand). Cytogenetic location: 2q32.2.
Variant type: single nucleotide variant.
Coding change: c.616C>T on transcript NM_000090.4 (MANE Select); coding-DNA position 616, C replaced by T.
Protein change: p.Pro206Ser; replaces proline 206 with serine.
Molecular consequence: missense variant.
Genome position (GRCh38, 1-based): chr2:188,988,623, C>T. VCF-style: chr2-188988623-C-T. GRCh37 (hg19) VCF-style: chr2-189853349-C-T.
Other names: short protein forms P206S.
Identifiers: ClinVar variation 1371163 (VCV001371163.8), dbSNP rs1688112134, ClinGen allele CA349848375.